The following is an entry in ClinVar:

NM_000388.4(CASR):c.2550_2551insCCAG (p.Cys851fs)

Gene: CASR (calcium sensing receptor; plus strand). Cytogenetic location: 3q21.1.
Variant type: Insertion.
Coding change: c.2550_2551insCCAG on transcript NM_000388.4 (MANE Select); coding-DNA positions 2550 to 2551, CCAG inserted.
Protein change: p.Cys851fs; shifts the reading frame from cysteine 851.
Molecular consequence: frameshift variant.
Genome position: GRCh38 VCF-style: chr3-122284503-C-CGCCA. GRCh37 (hg19) VCF-style: chr3-122003350-C-CGCCA.
Other names: c.2580_2581insCCAG, p.Cys861fs (NM_001178065.2); short protein forms C851fs, C861fs.
Identifiers: ClinVar variation 3759094 (VCV003759094.2).

ClinVar aggregate classification (germline): Pathogenic (1 of 4 stars; one submission).

Conditions:
Autosomal dominant hypocalcemia 1 (HYPOC1). Also called: HYPOCALCEMIA, FAMILIAL. Identifiers: MedGen C3715128, MONDO:0011013, OMIM 601198.
Familial hypocalciuric hypercalcemia (FHH). Also called: Familial benign hypercalcemia. Identifiers: Orphanet 405, MedGen C1809471, MONDO:0018458.

Submission:

Labcorp Genetics (formerly Invitae), Labcorp
Classification: Pathogenic for Familial hypocalciuric hypercalcemia; Autosomal dominant hypocalcemia 1. Last evaluated: 2024-09-04. Review status: criteria provided, single submitter. Criteria: Invitae Variant Classification Sherloc (09022015). Collection method: clinical testing. Allele origin: germline.
Comment: This sequence change creates a premature translational stop signal (p.Cys851Profs*131) in the CASR gene. While this is not anticipated to result in nonsense mediated decay, it is expected to disrupt the last 228 amino acid(s) of the CASR protein. This variant is not present in population databases (gnomAD no frequency). This premature translational stop signal has been observed in individual(s) with familial hypocalciuric hypercalcemia (PMID: 11889203). This variant disrupts a region of the CASR protein in which other variant(s) (p.Arg886Pro) have been determined to be pathogenic (PMID: 11807402, 20798521). This suggests that this is a clinically significant region of the protein, and that variants that disrupt it are likely to be disease-causing. For these reasons, this variant has been classified as Pathogenic.

Literature cited by the submitters: PubMed 11889203; PubMed 11807402; PubMed 20798521.